The following is an entry in ClinVar:

NC_000009.11:g.(?_12693997)_(13250314_?)dup

Genes: LURAP1L (leucine rich adaptor protein 1 like; plus strand), MPDZ (multiple PDZ domain crumbs cell polarity complex component; minus strand), TYRP1 (tyrosinase related protein 1; plus strand). Cytogenetic location: 9p23.
Variant type: Duplication.
Identifiers: ClinVar variation 1439934 (VCV001439934.3).

ClinVar aggregate classification (germline): Uncertain significance (1 of 4 stars; one submission).

Submission:

Labcorp Genetics (formerly Invitae), Labcorp
Classification: Uncertain significance. Last evaluated: 2021-03-25. Review status: criteria provided, single submitter. Criteria: Invitae Variant Classification Sherloc (09022015). Collection method: clinical testing. Allele origin: germline.
Comment: A copy number gain of the genomic region encompassing the full coding sequence of the MPDZ gene has been identified. The boundaries of this event are unknown as they extend beyond the assayed region for this gene and therefore may encompass additional genes. As the precise location of this event is unknown, it may be in tandem or it may be located elsewhere in the genome. This variant has not been reported in the literature in individuals with MPDZ-related conditions. In summary, the available evidence is currently insufficient to determine the role of this variant in disease. Therefore, it has been classified as a Variant of Uncertain Significance.